The following is an entry in ClinVar:

NM_032043.3(BRIP1):c.3095G>C (p.Ser1032Thr)

Gene: BRIP1 (BRCA1 interacting DNA helicase 1; minus strand). Cytogenetic location: 17q23.2.
Variant type: single nucleotide variant.
Coding change: c.3095G>C on transcript NM_032043.3 (MANE Select); coding-DNA position 3095, G replaced by C.
Protein change: p.Ser1032Thr; replaces serine 1032 with threonine.
Molecular consequence: missense variant.
Genome position (GRCh38, 1-based): chr17:61,683,951, C>G on the plus strand (G>C on the coding strand, the complement: BRIP1 is on the minus strand). VCF-style: chr17-61683951-C-G. GRCh37 (hg19) VCF-style: chr17-59761312-C-G.
Other names: short protein forms S1032T.
Identifiers: ClinVar variation 3755488 (VCV003755488.2).

ClinVar aggregate classification (germline): Uncertain significance (1 of 4 stars; one submission).

Conditions:
Fanconi anemia complementation group J. Also called: BRIP1-Related Fanconi Anemia. Identifiers: Orphanet 84, MedGen C1836860, MONDO:0012187, OMIM 609054.
Familial cancer of breast. Also called: BREAST CANCER, FAMILIAL; Hereditary breast cancer; hereditary breast carcinoma. Identifiers: Orphanet 227535, MedGen C0346153, MONDO:0016419, OMIM 114480. Disease mechanism: loss of function.

Submission:

Labcorp Genetics (formerly Invitae), Labcorp
Classification: Uncertain significance for Familial cancer of breast; Fanconi anemia complementation group J. Last evaluated: 2024-03-24. Review status: criteria provided, single submitter. Criteria: Invitae Variant Classification Sherloc (09022015). Collection method: clinical testing. Allele origin: germline.
Comment: This sequence change replaces serine, which is neutral and polar, with threonine, which is neutral and polar, at codon 1032 of the BRIP1 protein (p.Ser1032Thr). This variant is not present in population databases (gnomAD no frequency). This variant has not been reported in the literature in individuals affected with BRIP1-related conditions. Algorithms developed to predict the effect of missense changes on protein structure and function output the following: SIFT: "Not Available"; PolyPhen-2: "Benign"; Align-GVGD: "Not Available". The threonine amino acid residue is found in multiple mammalian species, which suggests that this missense change does not adversely affect protein function. In summary, the available evidence is currently insufficient to determine the role of this variant in disease. Therefore, it has been classified as a Variant of Uncertain Significance.